The following is an entry in ClinVar:

NM_006231.4(POLE):c.5840_5841del (p.Glu1947fs)

Gene: POLE (DNA polymerase epsilon, catalytic subunit; minus strand). Cytogenetic location: 12q24.33.
Variant type: Microsatellite.
Coding change: c.5840_5841del on transcript NM_006231.4 (MANE Select); coding-DNA positions 5840 to 5841, 2 bases deleted (AG; older notation c.5840_5841delAG).
Protein change: p.Glu1947fs; shifts the reading frame from glutamic acid 1947.
Molecular consequence: frameshift variant.
Genome position (GRCh38, 1-based): chr12:132,634,349-132,634,350, CT deleted on the plus strand (AG on the coding strand, the reverse complement: POLE is on the minus strand); deleting any 2 consecutive bases within chr12:132,634,349-132,634,352 gives the same sequence; the c. name uses the placement nearest the transcript's 3' end. VCF-style (leftmost placement, unchanged base first): chr12-132634348-CCT-C. GRCh37 (hg19) VCF-style: chr12-133210934-CCT-C.
Other names: c.5840_5841delAG (NM_006231.3); short protein forms E1947fs.
Identifiers: ClinVar variation 571125 (VCV000571125.9), dbSNP rs1565928712, ClinGen allele CA891843953.

ClinVar aggregate classification (germline): Pathogenic (1 of 4 stars; one submission).

Submission:

Labcorp Genetics (formerly Invitae), Labcorp
Classification: Pathogenic. Last evaluated: 2022-05-27. Review status: criteria provided, single submitter. Criteria: Invitae Variant Classification Sherloc (09022015). Collection method: clinical testing. Allele origin: germline.
Comment: This variant is not present in population databases (gnomAD no frequency). This sequence change creates a premature translational stop signal (p.Glu1947Glyfs*2) in the POLE gene. It is expected to result in an absent or disrupted protein product. Loss-of-function variants in POLE are known to be pathogenic (PMID: 23230001, 25948378, 30503519). This variant has not been reported in the literature in individuals affected with POLE-related conditions. ClinVar contains an entry for this variant (Variation ID: 571125). For these reasons, this variant has been classified as Pathogenic.

Literature cited by the submitters: PubMed 23230001; PubMed 25948378; PubMed 30503519.